The following is an entry in ClinVar:

ClinVar aggregate classification (germline): Uncertain significance (1 of 4 stars; one submission).

Conditions:
Leigh syndrome (NULS). Also called: Leigh's necrotizing encephalopathy; Leigh's disease; Leigh Syndrome (mtDNA deletion); Leigh Disease; Subacute necrotizing encephalopathy; Necrotizing encephalopathy infantile subacute of Leigh. Identifiers: Orphanet 506, MedGen C2931891, MONDO:0009723, OMIM 256000.

Submission:

Wong Mito Lab, Molecular and Human Genetics, Baylor College of Medicine
Classification: Uncertain significance for Leigh syndrome. Last evaluated: 2019-10-17. Review status: criteria provided, single submitter. Criteria: Modified ACMG Guidelines (Unpublished). Collection method: clinical testing. Allele origin: germline.
Comment: The NC_012920.1:m.11781T>C (YP_003024035.1:p.Ile341Thr) variant in MTND4 gene is interpretated to be a Uncertain Significance variant based on the modified ACMG guidelines (unpublished). This variant meets the following evidence codes: PP6, PP7, BP4, BP5

NC_012920.1(MT-ND4):m.11781T>C

Gene: MT-ND4 (mitochondrially encoded NADH dehydrogenase 4; plus strand).
Variant type: single nucleotide variant.
Genome position: chrM-11781-T-C.
Identifiers: ClinVar variation 693379 (VCV000693379.1), dbSNP rs1603223410, ClinGen allele CA414811052.